The following is an entry in ClinVar:

ClinVar aggregate classification (germline): Conflicting classifications of pathogenicity. Review status: criteria provided, conflicting classifications (1 of 4 stars). 3 submissions from 3 submitters: Uncertain significance (2); Likely benign (1). Last evaluated 2025-06-03.

Conditions:
Hereditary cancer-predisposing syndrome. Also called: Neoplastic Syndromes, Hereditary; Tumor predisposition; Hereditary neoplastic syndrome; Hereditary Cancer Syndrome. Identifiers: Orphanet 140162, MedGen C0027672, MeSH D009386, MONDO:0015356.
Hereditary breast ovarian cancer syndrome. Also called: Hereditary breast and ovarian cancer syndrome (HBOC); Hereditary breast and ovarian cancer; Hereditary breast and/or ovarian cancer syndrome; Hereditary breast and ovarian cancer syndrome; Breast and ovarian cancer; BRCA1- and BRCA2-Associated Hereditary Breast and Ovarian Cancer. Identifiers: Orphanet 145, MedGen C0677776, MeSH D061325, MONDO:0003582. Disease mechanism: loss of function.

Submissions (3):

GeneDx
Classification: Uncertain significance. Last evaluated: 2025-06-03. Review status: criteria provided, single submitter. Criteria: GeneDx Variant Classification Process June 2021. Collection method: clinical testing. Allele origin: germline. Affected: yes.
Comment: Not observed at significant frequency in large population cohorts (gnomAD); In silico analysis suggests that this missense variant does not alter protein structure/function; Has not been previously published as pathogenic or benign to our knowledge; Also known as 5964A>C

Labcorp Genetics (formerly Invitae), Labcorp
Classification: Uncertain significance for Hereditary breast ovarian cancer syndrome. Last evaluated: 2024-04-24. Review status: criteria provided, single submitter. Criteria: Invitae Variant Classification Sherloc (09022015). Collection method: clinical testing. Allele origin: germline.
Comment: This sequence change replaces glutamic acid, which is acidic and polar, with aspartic acid, which is acidic and polar, at codon 1912 of the BRCA2 protein (p.Glu1912Asp). This variant is not present in population databases (gnomAD no frequency). This variant has not been reported in the literature in individuals affected with BRCA2-related conditions. ClinVar contains an entry for this variant (Variation ID: 566227). Advanced modeling of protein sequence and biophysical properties (such as structural, functional, and spatial information, amino acid conservation, physicochemical variation, residue mobility, and thermodynamic stability) performed at Invitae indicates that this missense variant is not expected to disrupt BRCA2 protein function with a negative predictive value of 95%. In summary, the available evidence is currently insufficient to determine the role of this variant in disease. Therefore, it has been classified as a Variant of Uncertain Significance.

University of Washington Department of Laboratory Medicine, University of Washington
Classification: Likely benign for Hereditary cancer-predisposing syndrome. Last evaluated: 2023-03-23. Review status: criteria provided, single submitter. Criteria: Dines et al. (Genet Med. 2020). Collection method: curation. Allele origin: germline.
Comment: Missense variant in a coldspot region where missense variants are very unlikely to be pathogenic (PMID:31911673).

BRCA2 exon 11 coldspot. Reclassification based on statistical prior probability.

NM_000059.4(BRCA2):c.5736A>C (p.Glu1912Asp)

Gene: BRCA2 (BRCA2 DNA repair associated; plus strand). Cytogenetic location: 13q13.1.
Variant type: single nucleotide variant.
Coding change: c.5736A>C on transcript NM_000059.4 (MANE Select); coding-DNA position 5736, A replaced by C.
Protein change: p.Glu1912Asp; replaces glutamic acid 1912 with aspartic acid.
Molecular consequence: missense variant.
Genome position (GRCh38, 1-based): chr13:32,340,091, A>C. VCF-style: chr13-32340091-A-C. GRCh37 (hg19) VCF-style: chr13-32914228-A-C.
Other names: short protein forms E1912D.
Identifiers: ClinVar variation 566227 (VCV000566227.9), dbSNP rs1566233116, ClinGen allele CA387786941.